The following is an entry in ClinVar:

NM_004415.4(DSP):c.211A>G (p.Ile71Val)

Gene: DSP (desmoplakin; plus strand). Cytogenetic location: 6p24.3.
Variant type: single nucleotide variant.
Coding change: c.211A>G on transcript NM_004415.4 (MANE Select); coding-DNA position 211, A replaced by G.
Protein change: p.Ile71Val; replaces isoleucine 71 with valine.
Molecular consequence: missense variant.
Genome position (GRCh38, 1-based): chr6:7,555,758, A>G. VCF-style: chr6-7555758-A-G. GRCh37 (hg19) VCF-style: chr6-7555991-A-G.
Other names: c.211A>G, p.Ile71Val (NM_001008844.3, NM_001319034.2, NM_001406591.1); short protein forms I71V.
Identifiers: ClinVar variation 2500550 (VCV002500550.3), dbSNP rs2533842216, ClinGen allele CA362670742.

ClinVar aggregate classification (germline): Uncertain significance. Review status: criteria provided, multiple submitters, no conflicts (2 of 4 stars). 3 submissions from 3 submitters: Uncertain significance (3). Last evaluated 2026-07-04.

Conditions:
Cardiomyopathy (CMYO). Also called: Cardiomyopathies. Identifiers: Orphanet 167848, MedGen C0878544, MONDO:0004994, HP:0001638. Inheritance: Various modes of inheritance.
Cardiovascular phenotype. Identifiers: MedGen CN230736.

Allele frequency attached by ClinVar (database versions not stated): gnomAD exomes below 0.00001.
gnomAD v4.1: 1 of 1,614,266 alleles (0.000062%); highest among the groups gnomAD compares: Non-Finnish European, 0.000085%; no homozygotes.

Submissions (3):

Ambry Genetics
Classification: Uncertain significance for Cardiovascular phenotype. Last evaluated: 2026-07-04. Review status: criteria provided, single submitter. Criteria: Ambry Variant Classification Scheme 2023. Collection method: clinical testing. Allele origin: germline.
Comment: The p.I71V variant (also known as c.211A>G), located in coding exon 2 of the DSP gene, results from an A to G substitution at nucleotide position 211. The isoleucine at codon 71 is replaced by valine, an amino acid with highly similar properties. This amino acid position is conserved. In addition, this alteration is predicted to be tolerated by in silico analysis. Based on the available evidence, the clinical significance of this variant remains unclear.

Color Diagnostics, LLC DBA Color Health
Classification: Uncertain significance for Cardiomyopathy. Last evaluated: 2025-09-05. Review status: criteria provided, single submitter. Criteria: ACMG Guidelines, 2015. Collection method: clinical testing. Allele origin: germline.
Comment: This missense variant replaces isoleucine with valine at codon 71 of the DSP protein. Computational prediction suggests that this variant may not impact protein structure and function. To our knowledge, functional studies have not been reported for this variant. This variant has not been reported in individuals affected with DSP-related disorders in the literature. This variant has not been identified in the general population by the Genome Aggregation Database (gnomAD). The available evidence is insufficient to determine the role of this variant in disease conclusively. Therefore, this variant is classified as a Variant of Uncertain Significance.

GeneDx
Classification: Uncertain significance. Last evaluated: 2022-10-31. Review status: criteria provided, single submitter. Criteria: GeneDx Variant Classification Process June 2021. Collection method: clinical testing. Allele origin: germline. Affected: yes.
Comment: Has not been previously published as pathogenic or benign to our knowledge; Not observed at significant frequency in large population cohorts (gnomAD); In silico analysis supports that this missense variant does not alter protein structure/function